The following is an entry in ClinVar:

ClinVar aggregate classification (germline): Uncertain significance (1 of 4 stars; one submission).

Conditions:
Cystic fibrosis (CF). Also called: MUCOVISCIDOSIS. Identifiers: Orphanet 586, MedGen C0010674, MONDO:0009061, OMIM 219700. Disease mechanism: loss of function.

gnomAD v4.1: 1 of 1,612,962 alleles (0.000062%); highest among the groups gnomAD compares: Non-Finnish European, 0.000085%; no homozygotes.

Submission:

Ambry Genetics
Classification: Uncertain significance for Cystic fibrosis. Last evaluated: 2023-11-09. Review status: criteria provided, single submitter. Criteria: Ambry Variant Classification Scheme 2023. Collection method: clinical testing. Allele origin: germline.
Comment: The p.A300D variant (also known as c.899C>A), located in coding exon 8 of the CFTR gene, results from a C to A substitution at nucleotide position 899. The alanine at codon 300 is replaced by aspartic acid, an amino acid with dissimilar properties. This amino acid position is conserved. In addition, this alteration is predicted to be deleterious by in silico analysis. Since supporting evidence is limited at this time, the clinical significance of this alteration remains unclear.

NM_000492.4(CFTR):c.899C>A (p.Ala300Asp)

Gene: CFTR (CF transmembrane conductance regulator; plus strand). Cytogenetic location: 7q31.2.
Variant type: single nucleotide variant.
Coding change: c.899C>A on transcript NM_000492.4 (MANE Select); coding-DNA position 899, C replaced by A.
Protein change: p.Ala300Asp; replaces alanine 300 with aspartic acid.
Molecular consequence: missense variant.
Genome position (GRCh38, 1-based): chr7:117,540,129, C>A. VCF-style: chr7-117540129-C-A. GRCh37 (hg19) VCF-style: chr7-117180183-C-A.
Other names: short protein forms A300D.
Identifiers: ClinVar variation 3231936 (VCV003231936.1), dbSNP rs142134579, ClinGen allele CA368978014.